The following is an entry in ClinVar:

ClinVar aggregate classification (germline): Conflicting classifications of pathogenicity. Review status: criteria provided, conflicting classifications (1 of 4 stars). 4 submissions from 4 submitters: Uncertain significance (1); Likely benign (3). Last evaluated 2026-02-03.

Conditions:
RBP3-related disorder. Also called: RBP3-related condition.
Inborn genetic diseases. Identifiers: MedGen C0950123, MeSH D030342.

Allele frequency attached by ClinVar (database versions not stated): gnomAD exomes 0.00011 and 0.00020; ExAC 0.00023; 1000 Genomes Project 30x 0.00094; gnomAD 0.00097 and 0.00105; 1000 Genomes Project 0.00100; ESP Exome Variant Server 0.00108; TOPMed 0.00121.

Submissions (4):

Labcorp Genetics (formerly Invitae), Labcorp
Classification: Likely benign. Last evaluated: 2026-02-03. Review status: criteria provided, single submitter. Criteria: Invitae Variant Classification Sherloc (09022015). Collection method: clinical testing. Allele origin: germline.

PreventionGenetics, part of Exact Sciences
Classification: Likely benign for RBP3-related condition. Last evaluated: 2025-11-18. Review status: criteria provided, single submitter. Criteria: ACMG Guidelines, 2015. Collection method: clinical testing. Allele origin: germline.
Comment: This variant is classified as likely benign based on ACMG/AMP sequence variant interpretation guidelines (Richards et al. 2015 PMID: 25741868, with internal and published modifications).

Blueprint Genetics
Classification: Likely benign. Last evaluated: 2024-11-25. Review status: criteria provided, single submitter. Criteria: ACMG Guidelines, 2015. Collection method: clinical testing. Allele origin: germline.

Ambry Genetics
Classification: Uncertain significance for Inborn genetic diseases. Last evaluated: 2024-01-03. Review status: criteria provided, single submitter. Criteria: Ambry Variant Classification Scheme 2023. Collection method: clinical testing. Allele origin: germline.

NM_002900.3(RBP3):c.1490A>G (p.Gln497Arg)

Gene: RBP3 (retinol binding protein 3; plus strand). Cytogenetic location: 10q11.22.
Variant type: single nucleotide variant.
Coding change: c.1490A>G on transcript NM_002900.3 (MANE Select); coding-DNA position 1490, A replaced by G.
Protein change: p.Gln497Arg; replaces glutamine 497 with arginine.
Molecular consequence: missense variant.
Genome position (GRCh38, 1-based): chr10:47,349,974, A>G. VCF-style: chr10-47349974-A-G. GRCh37 (hg19) VCF-style: chr10-48389388-T-C.
Other names: short protein forms Q497R.
Identifiers: ClinVar variation 844405 (VCV000844405.12), dbSNP rs139222112, ClinGen allele CA5487511.